The following is an entry in ClinVar:

NM_003072.5(SMARCA4):c.2831A>G (p.Asn944Ser)

Gene: SMARCA4 (SWI/SNF related BAF chromatin remodeling complex subunit ATPase 4; plus strand). Cytogenetic location: 19p13.2.
Variant type: single nucleotide variant.
Coding change: c.2831A>G on transcript NM_003072.5 (MANE Select); coding-DNA position 2831, A replaced by G.
Protein change: p.Asn944Ser; replaces asparagine 944 with serine.
Molecular consequence: missense variant. On other transcripts: non-coding transcript variant (1).
Genome position (GRCh38, 1-based): chr19:11,021,939, A>G. VCF-style: chr19-11021939-A-G. GRCh37 (hg19) VCF-style: chr19-11132615-A-G.
Other names: c.2831A>G, p.Asn944Ser (NM_001128844.3, NM_001128845.2, NM_001128846.2 and 6 more transcripts); short protein forms N944S.
Identifiers: ClinVar variation 1796597 (VCV001796597.2), dbSNP rs2146422864, ClinGen allele CA404056925.

ClinVar aggregate classification (germline): Uncertain significance (1 of 4 stars; one submission).

Conditions:
Hereditary cancer-predisposing syndrome. Also called: Tumor predisposition; Hereditary Cancer Syndrome; Neoplastic Syndromes, Hereditary; Hereditary neoplastic syndrome. Identifiers: Orphanet 140162, MedGen C0027672, MeSH D009386, MONDO:0015356.

Submission:

Ambry Genetics
Classification: Uncertain significance for Hereditary cancer-predisposing syndrome. Last evaluated: 2018-01-31. Review status: criteria provided, single submitter. Criteria: Ambry Variant Classification Scheme 2023. Collection method: clinical testing. Allele origin: germline.
Comment: The p.N944S variant (also known as c.2831A>G), located in coding exon 18 of the SMARCA4 gene, results from an A to G substitution at nucleotide position 2831. The asparagine at codon 944 is replaced by serine, an amino acid with highly similar properties. This amino acid position is highly conserved in available vertebrate species. In addition, the in silico prediction for this alteration is inconclusive. Since supporting evidence is limited at this time, the clinical significance of this alteration remains unclear.